The following is an entry in ClinVar:

ClinVar aggregate classification (germline): Uncertain significance (1 of 4 stars; one submission).

Submission:

GeneDx
Classification: Uncertain significance. Last evaluated: 2025-01-06. Review status: criteria provided, single submitter. Criteria: GeneDx Variant Classification Process June 2021. Collection method: clinical testing. Allele origin: germline. Affected: yes.
Comment: Not observed at significant frequency in large population cohorts (gnomAD); In silico analysis supports that this missense variant has a deleterious effect on protein structure/function; Has not been previously published as pathogenic or benign to our knowledge

NM_005859.5(PURA):c.709T>C (p.Ser237Pro)

Gene: PURA (purine rich element binding protein A; plus strand). Cytogenetic location: 5q31.3.
Variant type: single nucleotide variant.
Coding change: c.709T>C on transcript NM_005859.5 (MANE Select); coding-DNA position 709, T replaced by C.
Protein change: p.Ser237Pro; replaces serine 237 with proline.
Molecular consequence: missense variant.
Genome position (GRCh38, 1-based): chr5:140,114,890, T>C. VCF-style: chr5-140114890-T-C. GRCh37 (hg19) VCF-style: chr5-139494475-T-C.
Other names: short protein forms S237P.
Identifiers: ClinVar variation 4056015 (VCV004056015.1).